The following is an entry in ClinVar:

NM_001174147.2(LMX1B):c.972G>C (p.Gln324His)

Gene: LMX1B (LIM homeobox transcription factor 1 beta; plus strand). Cytogenetic location: 9q33.3.
Variant type: single nucleotide variant.
Coding change: c.972G>C on transcript NM_001174147.2 (MANE Select); coding-DNA position 972, G replaced by C.
Protein change: p.Gln324His; replaces glutamine 324 with histidine.
Molecular consequence: missense variant.
Genome position (GRCh38, 1-based): chr9:126,695,924, G>C. VCF-style: chr9-126695924-G-C. GRCh37 (hg19) VCF-style: chr9-129458203-G-C.
Other names: c.1005G>C, p.Gln335His (NM_001174146.2); c.972G>C, p.Gln324His (NM_002316.4); short protein forms Q335H, Q324H.
Identifiers: ClinVar variation 364887 (VCV000364887.10), dbSNP rs886063418, ClinGen allele CA10628911.

ClinVar aggregate classification (germline): Conflicting classifications of pathogenicity. Review status: criteria provided, conflicting classifications (1 of 4 stars). 4 submissions from 4 submitters: Uncertain significance (3); Likely benign (1). Last evaluated 2025-04-17.

Conditions:
Nail-patella syndrome (NPS). Also called: FONG DISEASE; ONYCHOOSTEODYSPLASIA; TURNER-KIESER SYNDROME. Identifiers: Orphanet 2614, MedGen C0027341, MONDO:0008061, OMIM 161200.
Nail-patella-like renal disease. Also called: GLOMERULAR BASEMENT MEMBRANE DISEASE, NAIL-PATELLA SYNDROME TYPE; Focal Segmental Glomerulosclerosis 10. Identifiers: Orphanet 2613, MedGen C0403548, MONDO:0009724, OMIM 256020.
Inborn genetic diseases. Identifiers: MedGen C0950123, MeSH D030342.

Allele frequency attached by ClinVar (database versions not stated): gnomAD exomes 0.00001 and 0.00002; gnomAD 0.00007 and 0.00009; TOPMed 0.00008.
gnomAD v4.1: 22 of 1,613,286 alleles (0.0014%); highest among the groups gnomAD compares: African/African-American, 0.017%; no homozygotes.

Submissions (4):

Ambry Genetics
Classification: Likely benign for Inborn genetic diseases. Last evaluated: 2025-04-17. Review status: criteria provided, single submitter. Criteria: Ambry Variant Classification Scheme 2023. Collection method: clinical testing. Allele origin: germline.

Labcorp Genetics (formerly Invitae), Labcorp
Classification: Uncertain significance. Last evaluated: 2024-07-08. Review status: criteria provided, single submitter. Criteria: Invitae Variant Classification Sherloc (09022015). Collection method: clinical testing. Allele origin: germline.
Comment: This sequence change replaces glutamine, which is neutral and polar, with histidine, which is basic and polar, at codon 324 of the LMX1B protein (p.Gln324His). This variant is present in population databases (no rsID available, gnomAD 0.01%). This variant has not been reported in the literature in individuals affected with LMX1B-related conditions. ClinVar contains an entry for this variant (Variation ID: 364887). Advanced modeling of protein sequence and biophysical properties (such as structural, functional, and spatial information, amino acid conservation, physicochemical variation, residue mobility, and thermodynamic stability) performed at Invitae indicates that this missense variant is not expected to disrupt LMX1B protein function with a negative predictive value of 80%. In summary, the available evidence is currently insufficient to determine the role of this variant in disease. Therefore, it has been classified as a Variant of Uncertain Significance.

Fulgent Genetics
Classification: Uncertain significance for Nail-patella syndrome; Nail-patella-like renal disease. Last evaluated: 2022-04-30. Review status: criteria provided, single submitter. Criteria: ACMG Guidelines, 2015. Collection method: clinical testing. Allele origin: unknown.

Illumina Laboratory Services, Illumina
Classification: Uncertain significance for Nail-patella syndrome. Last evaluated: 2018-01-12. Review status: criteria provided, single submitter. Criteria: ICSL Variant Classification Criteria 13 December 2019. Collection method: clinical testing. Allele origin: germline.